The following is an entry in ClinVar:

NM_001197104.2(KMT2A):c.11353G>A (p.Ala3785Thr)

Genes: KMT2A (lysine methyltransferase 2A; plus strand), TTC36-AS1 (TTC36 and KMT2A antisense RNA 1; minus strand). Cytogenetic location: 11q23.3.
Variant type: single nucleotide variant.
Coding change: c.11353G>A on transcript NM_001197104.2 (MANE Select); coding-DNA position 11353, G replaced by A.
Protein change: p.Ala3785Thr; replaces alanine 3785 with threonine.
Molecular consequence: missense variant.
Genome position (GRCh38, 1-based): chr11:118,519,988, G>A. VCF-style: chr11-118519988-G-A. GRCh37 (hg19) VCF-style: chr11-118390703-G-A.
Other names: c.11443G>A, p.Ala3815Thr (NM_001412597.1); c.11344G>A, p.Ala3782Thr (NM_005933.4); short protein forms A3782T, A3785T, A3815T.
Identifiers: ClinVar variation 4882660 (VCV004882660.2).

ClinVar aggregate classification (germline): Uncertain significance (1 of 4 stars; one submission).

Submission:

Dasa
Classification: Uncertain significance. Last evaluated: 2024-11-30. Review status: criteria provided, single submitter. Criteria: DASA Assertion Criteria. Collection method: clinical testing. Allele origin: germline.
Comment: NM_001197104.2(KMT2A):c.11353G>A (p.Ala3785Thr) is a missense variant that results in the substitution of alanine with threonine. This variant is absent from population databases. Computational prediction algorithms are consistent with a deleterious effect. The currently available literature and clinical evidence are not sufficient to establish a definitive association between this variant and the reported condition. Therefore, this variant is classified as a variant of uncertain significance.